The following is an entry in ClinVar:

NM_001370466.1(NOD2):c.*620G>A

Genes: NOD2 (nucleotide binding oligomerization domain containing 2; plus strand), CYLD-AS1 (CYLD antisense RNA 1; minus strand). Cytogenetic location: 16q12.1.
Variant type: single nucleotide variant.
Coding change: c.*620G>A on transcript NM_001370466.1 (MANE Select); 620 bases downstream of the stop codon, G replaced by A.
Molecular consequence: 3 prime UTR variant. On other transcripts: non-coding transcript variant (1).
Genome position (GRCh38, 1-based): chr16:50,732,439, G>A. VCF-style: chr16-50732439-G-A. GRCh37 (hg19) VCF-style: chr16-50766350-G-A.
Other names: c.*620G>A (LRG_177t1, NM_001293557.2, NM_022162.3).
Identifiers: ClinVar variation 319487 (VCV000319487.7), dbSNP rs116213743, ClinGen allele CA10637861.

ClinVar aggregate classification (germline): Benign/Likely benign. Review status: criteria provided, single submitter (1 of 4 stars). 2 submissions from 1 submitter: Benign (1); Likely benign (1). Last evaluated 2018-01-13.

Conditions:
Inflammatory bowel disease 1 (IBD1). Also called: Inflammatory bowel disease 1, Crohn disease; INFLAMMATORY BOWEL DISEASE (CROHN DISEASE) 1. Identifiers: MedGen CN260071, MONDO:0009960, OMIM 266600.
Blau syndrome (BLAUS). Also called: ARTHROCUTANEOUVEAL GRANULOMATOSIS; GRANULOMATOSIS, FAMILIAL JUVENILE SYSTEMIC; GRANULOMATOSIS, FAMILIAL, BLAU TYPE; GRANULOMATOUS INFLAMMATORY ARTHRITIS, DERMATITIS, AND UVEITIS, FAMILIAL; JABS SYNDROME. Identifiers: Orphanet 90340, MedGen C5201146, MONDO:0008523, OMIM 186580.

Allele frequency attached by ClinVar (database versions not stated): gnomAD 0.00216 and 0.00230; TOPMed 0.00259; 1000 Genomes Project 30x 0.00468; 1000 Genomes Project 0.00499.

Submissions (2):

Illumina Laboratory Services, Illumina
Classification: Benign for Blau syndrome. Last evaluated: 2018-01-13. Review status: criteria provided, single submitter. Criteria: ICSL Variant Classification Criteria 13 December 2019. Collection method: clinical testing. Allele origin: germline.
Comment: This variant was observed in the ICSL laboratory as part of a predisposition screen in an ostensibly healthy population. It had not been previously curated by ICSL or reported in the Human Gene Mutation Database (HGMD: prior to June 1st, 2018), and was therefore a candidate for classification through an automated scoring system. Utilizing variant allele frequency, disease prevalence and penetrance estimates, and inheritance mode, an automated score was calculated to assess if this variant is too frequent to cause the disease. Based on the score and internal cut-off values, a variant classified as benign is not then subjected to further curation. The score for this variant resulted in a classification of benign for this disease.

Illumina Laboratory Services, Illumina
Classification: Likely benign for Inflammatory bowel disease 1. Last evaluated: 2018-01-13. Review status: criteria provided, single submitter. Criteria: ICSL Variant Classification Criteria 13 December 2019. Collection method: clinical testing. Allele origin: germline.
Comment: This variant was observed in the ICSL laboratory as part of a predisposition screen in an ostensibly healthy population. It had not been previously curated by ICSL or reported in the Human Gene Mutation Database (HGMD: prior to June 1st, 2018), and was therefore a candidate for classification through an automated scoring system. Utilizing variant allele frequency, disease prevalence and penetrance estimates, and inheritance mode, an automated score was calculated to assess if this variant is too frequent to cause the disease. Based on the score and internal cut-off values, a variant classified as likely benign is not then subjected to further curation. The score for this variant resulted in a classification of likely benign for this disease.